The following is an entry in ClinVar:

ClinVar aggregate classification (germline): Uncertain significance (1 of 4 stars; one submission).

Conditions:
Bethlem myopathy 1A. Also called: Bethlem Muscular Dystrophy; Bethlem myopathy 1; MYOPATHY, BENIGN CONGENITAL, WITH CONTRACTURES. Identifiers: Orphanet 610, MedGen CN029274, MONDO:0024530, OMIM 158810.

Allele frequency attached by ClinVar (database versions not stated): TOPMed below 0.00001; gnomAD 0.00001; ExAC 0.00002.
gnomAD v4.1: 25 of 1,608,286 alleles (0.0016%); highest among the groups gnomAD compares: Non-Finnish European, 0.002%; no homozygotes.

Submission:

Labcorp Genetics (formerly Invitae), Labcorp
Classification: Uncertain significance for Bethlem myopathy 1A. Last evaluated: 2025-10-08. Review status: criteria provided, single submitter. Criteria: Invitae Variant Classification Sherloc (09022015). Collection method: clinical testing. Allele origin: germline.
Comment: This sequence change replaces proline, which is neutral and non-polar, with glutamine, which is neutral and polar, at codon 2319 of the COL6A3 protein (p.Pro2319Gln). This variant is present in population databases (rs751617505, gnomAD 0.002%). This variant has not been reported in the literature in individuals affected with COL6A3-related conditions. ClinVar contains an entry for this variant (Variation ID: 2155256). Invitae Evidence Modeling of protein sequence and biophysical properties (such as structural, functional, and spatial information, amino acid conservation, physicochemical variation, residue mobility, and thermodynamic stability) indicates that this missense variant is not expected to disrupt COL6A3 protein function with a negative predictive value of 80%. In summary, the available evidence is currently insufficient to determine the role of this variant in disease. Therefore, it has been classified as a Variant of Uncertain Significance.

NM_004369.4(COL6A3):c.6956C>A (p.Pro2319Gln)

Gene: COL6A3 (collagen type VI alpha 3 chain; minus strand). Cytogenetic location: 2q37.3.
Variant type: single nucleotide variant.
Coding change: c.6956C>A on transcript NM_004369.4 (MANE Select); coding-DNA position 6956, C replaced by A.
Protein change: p.Pro2319Gln; replaces proline 2319 with glutamine.
Molecular consequence: missense variant.
Genome position (GRCh38, 1-based): chr2:237,348,359, G>T on the plus strand (C>A on the coding strand, the complement: COL6A3 is on the minus strand). VCF-style: chr2-237348359-G-T. GRCh37 (hg19) VCF-style: chr2-238257002-G-T.
Other names: c.5135C>A, p.Pro1712Gln (NM_057166.5); c.6338C>A, p.Pro2113Gln (NM_057167.4); short protein forms P1712Q, P2113Q, P2319Q.
Identifiers: ClinVar variation 2155256 (VCV002155256.4), dbSNP rs751617505, ClinGen allele CA2188001.